The following is an entry in ClinVar:

NM_000179.3(MSH6):c.2211A>C (p.Ala737=)

Gene: MSH6 (mutS homolog 6; plus strand). Cytogenetic location: 2p16.3.
Variant type: single nucleotide variant.
Coding change: c.2211A>C on transcript NM_000179.3 (MANE Select); coding-DNA position 2211, A replaced by C.
Protein change: p.Ala737=; no amino-acid change (alanine 737 retained).
Molecular consequence: synonymous variant.
Genome position (GRCh38, 1-based): chr2:47,800,194, A>C. VCF-style: chr2-47800194-A-C. GRCh37 (hg19) VCF-style: chr2-48027333-A-C.
Other names: c.1821A>C, p.Ala607= (NM_001281492.2); c.1305A>C, p.Ala435= (NM_001281493.2, NM_001281494.2).
Identifiers: ClinVar variation 416132 (VCV000416132.15), dbSNP rs780916013, ClinGen allele CA16610906.

ClinVar aggregate classification (germline): Benign/Likely benign. Review status: criteria provided, multiple submitters, no conflicts (2 of 4 stars). 3 submissions from 3 submitters: Benign (1); Likely benign (2). Last evaluated 2024-12-30.

Conditions:
Hereditary nonpolyposis colorectal neoplasms. Identifiers: MedGen C0009405, MeSH D003123.
Hereditary cancer-predisposing syndrome. Also called: Tumor predisposition; Neoplastic Syndromes, Hereditary; Hereditary neoplastic syndrome; Hereditary Cancer Syndrome. Identifiers: Orphanet 140162, MedGen C0027672, MeSH D009386, MONDO:0015356.
Lynch syndrome 5 (LYNCH5). Also called: Colorectal cancer, hereditary nonpolyposis, type 5; Hereditary non-polyposis colorectal cancer, type 5. Identifiers: Orphanet 144, MedGen C1833477, MONDO:0013710, OMIM 614350. Disease mechanism: loss of function.

Submissions (3):

Myriad Genetics, Inc.
Classification: Benign for Lynch syndrome 5. Last evaluated: 2024-12-30. Review status: criteria provided, single submitter. Criteria: Myriad Autosomal Dominant, Autosomal Recessive and X-Linked Classification Criteria (2023). Collection method: clinical testing. Allele origin: unknown.
Comment: This variant is considered benign. This variant is a silent/synonymous amino acid change and it is not expected to impact splicing.

Labcorp Genetics (formerly Invitae), Labcorp
Classification: Likely benign for Hereditary nonpolyposis colorectal neoplasms. Last evaluated: 2024-06-04. Review status: criteria provided, single submitter. Criteria: Invitae Variant Classification Sherloc (09022015). Collection method: clinical testing. Allele origin: germline.

Ambry Genetics
Classification: Likely benign for Hereditary cancer-predisposing syndrome. Last evaluated: 2017-10-18. Review status: criteria provided, single submitter. Criteria: Ambry Variant Classification Scheme 2023. Collection method: clinical testing. Allele origin: germline.